The following is an entry in ClinVar:

ClinVar aggregate classification (germline): Uncertain significance (1 of 4 stars; one submission).

Allele frequency attached by ClinVar (database versions not stated): TOPMed 0.00001; ExAC 0.00001; gnomAD exomes 0.00001.
gnomAD v4.1: 16 of 1,210,571 alleles (0.0013%); highest among the groups gnomAD compares: Middle Eastern, 0.046%; no homozygotes.

Submission:

Labcorp Genetics (formerly Invitae), Labcorp
Classification: Uncertain significance. Last evaluated: 2025-03-01. Review status: criteria provided, single submitter. Criteria: Invitae Variant Classification Sherloc (09022015). Collection method: clinical testing. Allele origin: germline.
Comment: This sequence change replaces lysine, which is basic and polar, with asparagine, which is neutral and polar, at codon 63 of the AMER1 protein (p.Lys63Asn). This variant is present in population databases (rs750745643, gnomAD 0.004%). This variant has not been reported in the literature in individuals affected with AMER1-related conditions. ClinVar contains an entry for this variant (Variation ID: 2957746). An algorithm developed to predict the effect of missense changes on protein structure and function (PolyPhen-2) suggests that this variant is likely to be disruptive. In summary, the available evidence is currently insufficient to determine the role of this variant in disease. Therefore, it has been classified as a Variant of Uncertain Significance.

NM_152424.4(AMER1):c.189G>T (p.Lys63Asn)

Gene: AMER1 (APC membrane recruitment protein 1; minus strand). Cytogenetic location: Xq11.2.
Variant type: single nucleotide variant.
Coding change: c.189G>T on transcript NM_152424.4 (MANE Select); coding-DNA position 189, G replaced by T.
Protein change: p.Lys63Asn; replaces lysine 63 with asparagine.
Molecular consequence: missense variant.
Genome position (GRCh38, 1-based): chrX:64,193,098, C>A on the plus strand (G>T on the coding strand, the complement: AMER1 is on the minus strand). VCF-style: chrX-64193098-C-A. GRCh37 (hg19) VCF-style: chrX-63412978-C-A.
Other names: short protein forms K63N.
Identifiers: ClinVar variation 2957746 (VCV002957746.3), dbSNP rs750745643, ClinGen allele CA10432524.